The following is an entry in ClinVar:

ClinVar aggregate classification (germline): Benign (1 of 4 stars; one submission).

Allele frequency attached by ClinVar (database versions not stated): TOPMed 0.47471; gnomAD 0.48214 and 0.48626; 1000 Genomes Project 30x 0.48969; 1000 Genomes Project 0.49780.
gnomAD v4.1: 73,901 of 151,804 alleles (49%); highest among the groups gnomAD compares: East Asian, 56%; 18,650 homozygotes.

Submission:

GeneDx
Classification: Benign. Last evaluated: 2018-06-14. Review status: criteria provided, single submitter. Criteria: GeneDx Variant Classification (06012015). Collection method: clinical testing. Allele origin: germline. Affected: yes.
Comment: This variant is considered likely benign or benign based on one or more of the following criteria: it is a conservative change, it occurs at a poorly conserved position in the protein, it is predicted to be benign by multiple in silico algorithms, and/or has population frequency not consistent with disease.

NM_001165963.4(SCN1A):c.1171-174A>G

Gene: SCN1A (sodium voltage-gated channel alpha subunit 1; minus strand). Cytogenetic location: 2q24.3.
Variant type: single nucleotide variant.
Coding change: c.1171-174A>G on transcript NM_001165963.4 (MANE Select); 174 bases into the intron before coding-DNA position 1171, A replaced by G.
Molecular consequence: intron variant.
Genome position (GRCh38, 1-based): chr2:166,047,150, T>C on the plus strand (A>G on the coding strand, the complement: SCN1A is on the minus strand). VCF-style: chr2-166047150-T-C. GRCh37 (hg19) VCF-style: chr2-166903660-T-C.
Other names: c.1171-174A>G (NM_001353949.2, NM_001353958.2, NM_001353950.2 and 10 more transcripts); c.-1255-174A>G (NM_001353961.2).
Identifiers: ClinVar variation 669299 (VCV000669299.1), dbSNP rs13383628, ClinGen allele CA59798275.
Genomic context (GRCh38, chr2:166,047,150, plus strand): 5'-GGTCATAGCACCCTGTACTTTTTTTTTATTGTTTCTTTAACTTCAGCTTCTTCCTTCTCT[T>C]CTAGCTTATGCATTCACACTATGATTTCTATGGCAGAATTTTTGTATTCACCAAGAATGA-3'